The following is an entry in ClinVar:

NM_025099.6(CTC1):c.3606dup (p.Glu1203fs)

Gene: CTC1 (CST telomere replication complex component 1; minus strand). Cytogenetic location: 17p13.1.
Variant type: Duplication.
Coding change: c.3606dup on transcript NM_025099.6 (MANE Select); coding-DNA position 3606, one base duplicated (A; older notation c.3606dupA).
Protein change: p.Glu1203fs; shifts the reading frame from glutamic acid 1203.
Molecular consequence: frameshift variant. On other transcripts: non-coding transcript variant (1).
Genome position (GRCh38, 1-based): chr17:8,228,228, T duplicated on the plus strand (A on the coding strand, the reverse complement: CTC1 is on the minus strand). VCF-style (leftmost placement, unchanged base first): chr17-8228227-C-CT. GRCh37 (hg19) VCF-style: chr17-8131545-C-CT.
Other names: c.3375dup, p.Glu1126fs (NM_001411067.1); short protein forms E1203fs, E1126fs.
Identifiers: ClinVar variation 4727184 (VCV004727184.1).

ClinVar aggregate classification (germline): Uncertain significance (1 of 4 stars; one submission).

Conditions:
Dyskeratosis congenita. Identifiers: Orphanet 1775, MedGen C0265965, MONDO:0015780.

Submission:

Labcorp Genetics (formerly Invitae), Labcorp
Classification: Uncertain significance for Dyskeratosis congenita. Last evaluated: 2025-09-14. Review status: criteria provided, single submitter. Criteria: Invitae Variant Classification Sherloc (09022015). Collection method: clinical testing. Allele origin: germline.
Comment: This sequence change is expected to alter the c-terminus of the CTC1 protein (p.Glu1203Argfs*32). While this is not anticipated to result in nonsense mediated decay, it is expected to disrupt the last 15 amino acid(s) of the CTC1 protein and extend the protein by 16 additional amino acid residues. This variant is not present in population databases (gnomAD no frequency). This variant has not been reported in the literature in individuals affected with CTC1-related conditions. In summary, the available evidence is currently insufficient to determine the role of this variant in disease. Therefore, it has been classified as a Variant of Uncertain Significance.